The following is an entry in ClinVar:

ClinVar aggregate classification (germline): Uncertain significance. Review status: criteria provided, multiple submitters, no conflicts (2 of 4 stars). 2 submissions from 2 submitters: Uncertain significance (2). Last evaluated 2025-07-24.

Submissions (2):

Mayo Clinic Laboratories, Mayo Clinic
Classification: Uncertain significance. Last evaluated: 2025-07-24. Review status: criteria provided, single submitter. Criteria: ACMG Guidelines, 2015. Collection method: clinical testing. Allele origin: germline. Observed: 1 variant allele.
Comment: PM2_supporting, PVS1_strong

Labcorp Genetics (formerly Invitae), Labcorp
Classification: Uncertain significance. Last evaluated: 2023-11-03. Review status: criteria provided, single submitter. Criteria: Invitae Variant Classification Sherloc (09022015). Collection method: clinical testing. Allele origin: germline.
Comment: This sequence change creates a premature translational stop signal (p.Gln2394*) in the SPTA1 gene. While this is not anticipated to result in nonsense mediated decay, it is expected to disrupt the last 26 amino acid(s) of the SPTA1 protein. This variant is not present in population databases (gnomAD no frequency). This premature translational stop signal has been observed in individual(s) with spherocytosis (PMID: 35351432). Experimental studies and prediction algorithms are not available or were not evaluated, and the functional significance of this variant is currently unknown. In summary, the available evidence is currently insufficient to determine the role of this variant in disease. Therefore, it has been classified as a Variant of Uncertain Significance.

Literature cited by the submitters: PubMed 35351432 (cited by Mayo Clinic Laboratories, Mayo Clinic and Labcorp Genetics (formerly Invitae), Labcorp).

NM_003126.4(SPTA1):c.7180C>T (p.Gln2394Ter)

Genes: OR10Z1 (olfactory receptor family 10 subfamily Z member 1; plus strand), SPTA1 (spectrin alpha, erythrocytic 1; minus strand). Cytogenetic location: 1q23.1.
Variant type: single nucleotide variant.
Coding change: c.7180C>T on transcript NM_003126.4 (MANE Select); coding-DNA position 7180, C replaced by T.
Protein change: p.Gln2394Ter; replaces glutamine 2394 with a stop codon.
Molecular consequence: nonsense. On other transcripts: 3 prime UTR variant (1).
Genome position (GRCh38, 1-based): chr1:158,611,344, G>A on the plus strand (C>T on the coding strand, the complement: SPTA1 is on the minus strand). VCF-style: chr1-158611344-G-A. GRCh37 (hg19) VCF-style: chr1-158581134-G-A.
Other names: p.Gln2394*; c.*3964G>A (NM_001004478.2); short protein forms Q2394*.
Identifiers: ClinVar variation 2693041 (VCV002693041.4), dbSNP rs773923538, ClinGen allele CA343010288.
Genomic context (GRCh38, chr1:158,611,344, plus strand): 5'-TGGTGAAGCCAACGTAGTCATAGCCAGAGAGATGGCTTCGACCCCGTGGGTCCATATATT[G>A]CTGCATATGTGTGGCACAGAATGACACTTGCTCTGGGGTAAGGGCCTGAAAAGTATAAAA-3'